The following is an entry in ClinVar:

ClinVar aggregate classification (germline): Uncertain significance (0 of 4 stars; one submission).

Conditions:
MADD-related disorder. Also called: MADD-Related Disorders; MADD-related condition.

gnomAD v4.1: 31 of 1,614,072 alleles (0.0019%); highest among the groups gnomAD compares: East Asian, 0.016%; no homozygotes.

Submission:

PreventionGenetics, part of Exact Sciences
Classification: Uncertain significance for MADD-related condition. Last evaluated: 2024-04-19. Review status: no assertion criteria provided. Collection method: clinical testing. Allele origin: germline.
Comment: The MADD c.1600C>T variant is predicted to result in the amino acid substitution p.Arg534Trp. To our knowledge, this variant has not been reported in the literature. This variant is reported in 0.0096% of alleles in individuals of Ashkenazi Jewish descent in gnomAD. At this time, the clinical significance of this variant is uncertain due to the absence of conclusive functional and genetic evidence.

NM_001376571.1(MADD):c.1600C>T (p.Arg534Trp)

Gene: MADD (MAP kinase activating death domain; plus strand). Cytogenetic location: 11p11.2.
Variant type: single nucleotide variant.
Coding change: c.1600C>T on transcript NM_001376571.1 (MANE Select); coding-DNA position 1600, C replaced by T.
Protein change: p.Arg534Trp; replaces arginine 534 with tryptophan.
Molecular consequence: missense variant. On other transcripts: non-coding transcript variant (8).
Genome position (GRCh38, 1-based): chr11:47,282,511, C>T. VCF-style: chr11-47282511-C-T. GRCh37 (hg19) VCF-style: chr11-47304062-C-T.
Other names: c.1600C>T, p.Arg534Trp (NM_130471.3, NM_130472.3, NM_130473.3 and 80 more transcripts); c.1396C>T, p.Arg466Trp (NM_001376620.1, NM_001376644.1, NM_001376657.1 and 9 more transcripts); c.934C>T, p.Arg312Trp (NM_001376663.1); short protein forms R312W, R466W, R534W.
Identifiers: ClinVar variation 3351509 (VCV003351509.1).